The following is an entry in ClinVar:

ClinVar aggregate classification (germline): Uncertain significance. Review status: criteria provided, multiple submitters, no conflicts (2 of 4 stars). 4 submissions from 4 submitters: Uncertain significance (4). Last evaluated 2025-12-08.

Conditions:
Cardiomyopathy (CMYO). Also called: Cardiomyopathies. Identifiers: Orphanet 167848, MedGen C0878544, MONDO:0004994, HP:0001638. Inheritance: Various modes of inheritance.
Cardiovascular phenotype. Identifiers: MedGen CN230736.
Arrhythmogenic right ventricular dysplasia 11. Also called: Arrhythmogenic Right Ventricular Dysplasia/Cardiomyopathy11; ARRHYTHMOGENIC RIGHT VENTRICULAR DYSPLASIA, FAMILIAL, 11; Arrhythmogenic right ventricular dysplasia 11 with mild palmoplantar keratoderma and woolly hair. Identifiers: MedGen C1864850, MONDO:0012506, OMIM 610476.

Allele frequency attached by ClinVar (database versions not stated): gnomAD exomes below 0.00001; TOPMed 0.00002.
gnomAD v4.1: 10 of 1,613,926 alleles (0.00062%); highest among the groups gnomAD compares: Non-Finnish European, 0.00085%; no homozygotes.

Submissions (4):

Color Diagnostics, LLC DBA Color Health
Classification: Uncertain significance for Cardiomyopathy. Last evaluated: 2025-12-08. Review status: criteria provided, single submitter. Criteria: ACMG Guidelines, 2015. Collection method: clinical testing. Allele origin: germline.
Comment: This missense variant replaces proline with threonine at codon 729 of the DSC2 protein. Computational prediction suggests that this variant may not impact protein structure and function. To our knowledge, functional studies have not been reported for this variant. This variant has not been reported in individuals affected with cardiovascular disorders in the literature. This variant has been identified in 1/251304 chromosomes in the general population by the Genome Aggregation Database (gnomAD). The available evidence is insufficient to determine the role of this variant in disease conclusively. Therefore, this variant is classified as a Variant of Uncertain Significance.

GeneDx
Classification: Uncertain significance. Last evaluated: 2022-04-15. Review status: criteria provided, single submitter. Criteria: GeneDx Variant Classification Process June 2021. Collection method: clinical testing. Allele origin: germline. Affected: yes.
Comment: Has not been previously published as pathogenic or benign to our knowledge; Not observed at significant frequency in large population cohorts (gnomAD); In silico analysis supports that this missense variant has a deleterious effect on protein structure/function

Labcorp Genetics (formerly Invitae), Labcorp
Classification: Uncertain significance for Arrhythmogenic right ventricular cardiomyopathy, type 11. Last evaluated: 2019-08-02. Review status: criteria provided, single submitter. Criteria: Invitae Variant Classification Sherloc (09022015). Collection method: clinical testing. Allele origin: germline.
Comment: This sequence change replaces proline with threonine at codon 729 of the DSC2 protein (p.Pro729Thr). The proline residue is moderately conserved and there is a small physicochemical difference between proline and threonine. This variant is not present in population databases (ExAC no frequency). This variant has not been reported in the literature in individuals with DSC2-related conditions. Algorithms developed to predict the effect of missense changes on protein structure and function are either unavailable or do not agree on the potential impact of this missense change (SIFT: "Tolerated"; PolyPhen-2: "Probably Damaging"; Align-GVGD: "Class C0"). In summary, the available evidence is currently insufficient to determine the role of this variant in disease. Therefore, it has been classified as a Variant of Uncertain Significance.

Ambry Genetics
Classification: Uncertain significance for Cardiovascular phenotype. Last evaluated: 2019-02-01. Review status: criteria provided, single submitter. Criteria: Ambry Variant Classification Scheme 2023. Collection method: clinical testing. Allele origin: germline.
Comment: The p.P729T variant (also known as c.2185C>A), located in coding exon 14 of the DSC2 gene, results from a C to A substitution at nucleotide position 2185. The proline at codon 729 is replaced by threonine, an amino acid with highly similar properties. This amino acid position is highly conserved in available vertebrate species. In addition, this alteration is predicted to be tolerated by in silico analysis. Since supporting evidence is limited at this time, the clinical significance of this alteration remains unclear.

NM_024422.6(DSC2):c.2185C>A (p.Pro729Thr)

Gene: DSC2 (desmocollin 2; minus strand). Cytogenetic location: 18q12.1.
Variant type: single nucleotide variant.
Coding change: c.2185C>A on transcript NM_024422.6 (MANE Select); coding-DNA position 2185, C replaced by A.
Protein change: p.Pro729Thr; replaces proline 729 with threonine.
Molecular consequence: missense variant.
Genome position (GRCh38, 1-based): chr18:31,070,791, G>T on the plus strand (C>A on the coding strand, the complement: DSC2 is on the minus strand). VCF-style: chr18-31070791-G-T. GRCh37 (hg19) VCF-style: chr18-28650757-G-T.
Other names: c.2185C>A, p.Pro729Thr (NM_004949.5); short protein forms P729T.
Identifiers: ClinVar variation 928244 (VCV000928244.11), dbSNP rs1422818892, ClinGen allele CA402112473.